The following is an entry in ClinVar:

NM_206933.4(USH2A):c.5012G>T (p.Gly1671Val)

Genes: USH2A (usherin; minus strand), USH2A-AS2 (USH2A antisense RNA 2; plus strand). Cytogenetic location: 1q41.
Variant type: single nucleotide variant.
Coding change: c.5012G>T on transcript NM_206933.4 (MANE Select); coding-DNA position 5012, G replaced by T.
Protein change: p.Gly1671Val; replaces glycine 1671 with valine.
Molecular consequence: missense variant.
Genome position (GRCh38, 1-based): chr1:216,084,853, C>A on the plus strand (G>T on the coding strand, the complement: USH2A is on the minus strand). VCF-style: chr1-216084853-C-A. GRCh37 (hg19) VCF-style: chr1-216258195-C-A.
Other names: short protein forms G1671V.
Identifiers: ClinVar variation 1439079 (VCV001439079.6), dbSNP rs727505116, ClinGen allele CA344859314.

ClinVar aggregate classification (germline): Pathogenic (1 of 4 stars; one submission).

Submission:

Labcorp Genetics (formerly Invitae), Labcorp
Classification: Pathogenic. Last evaluated: 2024-11-11. Review status: criteria provided, single submitter. Criteria: Invitae Variant Classification Sherloc (09022015). Collection method: clinical testing. Allele origin: germline.
Comment: This sequence change replaces glycine, which is neutral and non-polar, with valine, which is neutral and non-polar, at codon 1671 of the USH2A protein (p.Gly1671Val). This variant is not present in population databases (gnomAD no frequency). This missense change has been observed in individual(s) with clinical features of USH2A-related conditions (internal data). In at least one individual the data is consistent with being in trans (on the opposite chromosome) from a pathogenic variant. ClinVar contains an entry for this variant (Variation ID: 1439079). Invitae Evidence Modeling of protein sequence and biophysical properties (such as structural, functional, and spatial information, amino acid conservation, physicochemical variation, residue mobility, and thermodynamic stability) indicates that this missense variant is expected to disrupt USH2A protein function with a positive predictive value of 95%. Algorithms developed to predict the effect of sequence changes on RNA splicing suggest that this variant may disrupt the consensus splice site. This variant disrupts the p.Gly1671 amino acid residue in USH2A. Other variant(s) that disrupt this residue have been determined to be pathogenic (PMID: 26667666, 28041643, 32581362). This suggests that this residue is clinically significant, and that variants that disrupt this residue are likely to be disease-causing. For these reasons, this variant has been classified as Pathogenic.

Literature cited by the submitters: PubMed 26667666; PubMed 28041643; PubMed 32581362.